The following is an entry in ClinVar:

ClinVar aggregate classification (germline): Uncertain significance (1 of 4 stars; one submission).

gnomAD v4.1: 2 of 1,614,110 alleles (0.00012%); highest among the groups gnomAD compares: Non-Finnish European, 0.000085%; no homozygotes.

Submission:

GeneDx
Classification: Uncertain significance. Last evaluated: 2025-02-08. Review status: criteria provided, single submitter. Criteria: GeneDx Variant Classification Process June 2021. Collection method: clinical testing. Allele origin: germline. Affected: yes.
Comment: Not observed at significant frequency in large population cohorts (gnomAD); In silico analysis supports that this missense variant has a deleterious effect on protein structure/function; Has not been previously published as pathogenic or benign to our knowledge

NM_182961.4(SYNE1):c.21782G>C (p.Arg7261Pro)

Gene: SYNE1 (spectrin repeat containing nuclear envelope protein 1; minus strand). Cytogenetic location: 6q25.2.
Variant type: single nucleotide variant.
Coding change: c.21782G>C on transcript NM_182961.4 (MANE Select); coding-DNA position 21782, G replaced by C.
Protein change: p.Arg7261Pro; replaces arginine 7261 with proline.
Molecular consequence: missense variant.
Genome position (GRCh38, 1-based): chr6:152,220,921, C>G on the plus strand (G>C on the coding strand, the complement: SYNE1 is on the minus strand). VCF-style: chr6-152220921-C-G. GRCh37 (hg19) VCF-style: chr6-152542056-C-G.
Other names: c.21569G>C, p.Arg7190Pro (NM_033071.5); short protein forms R7190P, R7261P.
Identifiers: ClinVar variation 4074552 (VCV004074552.1).
Genomic context (GRCh38, chr6:152,220,921, plus strand): 5'-GTGGCAACCTCATCATCGGCAATGTCCTTGTTTGTGGCTGCCTTCAACAGCTCATTGGTT[C>G]GATCCTCCTGCTGCTGAACTGTCGAAGCACACTGTTTGGAGTAGTCCTTGTATCTTTGCC-3'
Protein context (NP_892006.3, residues 7251-7271): CASTVQQQED[Arg7261Pro]TNELLKAATN